The following is an entry in ClinVar:

ClinVar aggregate classification (germline): Uncertain significance (1 of 4 stars; one submission).

Submission:

GeneDx
Classification: Uncertain significance. Last evaluated: 2023-03-09. Review status: criteria provided, single submitter. Criteria: GeneDx Variant Classification Process June 2021. Collection method: clinical testing. Allele origin: germline. Affected: yes.
Comment: Not observed at significant frequency in large population cohorts (gnomAD); In silico analysis supports that this missense variant does not alter protein structure/function; Has not been previously published as pathogenic or benign to our knowledge

NM_000937.5(POLR2A):c.5405C>T (p.Pro1802Leu)

Gene: POLR2A (RNA polymerase II subunit A; plus strand). Cytogenetic location: 17p13.1.
Variant type: single nucleotide variant.
Coding change: c.5405C>T on transcript NM_000937.5 (MANE Select); coding-DNA position 5405, C replaced by T.
Protein change: p.Pro1802Leu; replaces proline 1802 with leucine.
Molecular consequence: missense variant.
Genome position (GRCh38, 1-based): chr17:7,513,669, C>T. VCF-style: chr17-7513669-C-T. GRCh37 (hg19) VCF-style: chr17-7416988-C-T.
Other names: short protein forms P1802L.
Identifiers: ClinVar variation 2579616 (VCV002579616.1), dbSNP rs2508204146, ClinGen allele CA397838172.